The following is an entry in ClinVar:

ClinVar aggregate classification (germline): Benign/Likely benign. Review status: criteria provided, multiple submitters, no conflicts (2 of 4 stars). 7 submissions from 7 submitters: Benign (1); Likely benign (6). Last evaluated 2026-02-02.

Conditions:
Hypertrophic cardiomyopathy 17. Identifiers: MedGen C3151264, MONDO:0013474, OMIM 613873.
Cardiomyopathy, dilated, 2E. Identifiers: MedGen C5561970, MONDO:0030366, OMIM 619492.
JPH2-related disorder. Also called: JPH2-related condition.
Cardiovascular phenotype. Identifiers: MedGen CN230736.
Hypertrophic cardiomyopathy. Also called: HYPERTROPHIC MYOCARDIOPATHY. Identifiers: Orphanet 217569, MedGen C0007194, MeSH D002312, MONDO:0005045, HP:0001639.

Allele frequency attached by ClinVar (database versions not stated): gnomAD exomes 0.00002 and 0.00004; ExAC 0.00022; gnomAD 0.00028 and 0.00031; TOPMed 0.00031.
gnomAD v4.1: 71 of 1,480,468 alleles (0.0048%); highest among the groups gnomAD compares: African/African-American, 0.093%; no homozygotes.

Submissions (7):

Labcorp Genetics (formerly Invitae), Labcorp
Classification: Benign for Hypertrophic cardiomyopathy. Last evaluated: 2026-02-02. Review status: criteria provided, single submitter. Criteria: Invitae Variant Classification Sherloc (09022015). Collection method: clinical testing. Allele origin: germline.

PreventionGenetics, part of Exact Sciences
Classification: Likely benign for JPH2-related condition. Last evaluated: 2025-06-09. Review status: criteria provided, single submitter. Criteria: ACMG Guidelines, 2015. Collection method: clinical testing. Allele origin: germline.
Comment: This variant is classified as likely benign based on ACMG/AMP sequence variant interpretation guidelines (Richards et al. 2015 PMID: 25741868, with internal and published modifications).

Molecular Diagnostic Laboratory for Inherited Cardiovascular Disease, Montreal Heart Institute
Classification: Likely benign. Last evaluated: 2025-04-09. Review status: criteria provided, single submitter. Criteria: ACMG Guidelines, 2015. Collection method: clinical testing. Allele origin: germline. Affected: no.

Women's Health and Genetics/Laboratory Corporation of America, LabCorp
Classification: Likely benign. Last evaluated: 2024-06-17. Review status: criteria provided, single submitter. Criteria: LabCorp Variant Classification Summary - May 2015. Collection method: clinical testing. Allele origin: germline.

Fulgent Genetics
Classification: Likely benign for Hypertrophic cardiomyopathy 17; Cardiomyopathy, dilated, 2E. Last evaluated: 2022-04-26. Review status: criteria provided, single submitter. Criteria: ACMG Guidelines, 2015. Collection method: clinical testing. Allele origin: unknown.

GeneDx
Classification: Likely benign. Last evaluated: 2021-02-20. Review status: criteria provided, single submitter. Criteria: GeneDx Variant Classification Process June 2021. Collection method: clinical testing. Allele origin: germline. Affected: yes.

Ambry Genetics
Classification: Likely benign for Cardiovascular phenotype. Last evaluated: 2017-03-22. Review status: criteria provided, single submitter. Criteria: Ambry Variant Classification Scheme 2023. Collection method: clinical testing. Allele origin: germline.

NM_020433.5(JPH2):c.1566G>A (p.Arg522=)

Gene: JPH2 (junctophilin 2; minus strand). Cytogenetic location: 20q13.12.
Variant type: single nucleotide variant.
Coding change: c.1566G>A on transcript NM_020433.5 (MANE Select); coding-DNA position 1566, G replaced by A.
Protein change: p.Arg522=; no amino-acid change (arginine 522 retained).
Molecular consequence: synonymous variant.
Genome position (GRCh38, 1-based): chr20:44,116,109, C>T on the plus strand (G>A on the coding strand, the complement: JPH2 is on the minus strand). VCF-style: chr20-44116109-C-T. GRCh37 (hg19) VCF-style: chr20-42744749-C-T.
Identifiers: ClinVar variation 380759 (VCV000380759.20), dbSNP rs559143345, ClinGen allele CA9868662.